The following is an entry in ClinVar:

NM_002485.5(NBN):c.*1961T>C

Gene: NBN (nibrin; minus strand). Cytogenetic location: 8q21.3.
Variant type: single nucleotide variant.
Coding change: c.*1961T>C on transcript NM_002485.5 (MANE Select); 1961 bases downstream of the stop codon, T replaced by C.
Molecular consequence: 3 prime UTR variant.
Genome position (GRCh38, 1-based): chr8:89,933,621, A>G on the plus strand (T>C on the coding strand, the complement: NBN is on the minus strand). VCF-style: chr8-89933621-A-G. GRCh37 (hg19) VCF-style: chr8-90945849-A-G.
Other names: c.*1961T>C (NM_001024688.3).
Identifiers: ClinVar variation 363893 (VCV000363893.5), dbSNP rs13312987, ClinGen allele CA10631720.

ClinVar aggregate classification (germline): Benign (1 of 4 stars; one submission).

Conditions:
Microcephaly, normal intelligence and immunodeficiency (NBS). Also called: Ataxia telangiectasia variant V1; Immunodeficiency, microcephaly with normal intelligence; IMMUNODEFICIENCY, MICROCEPHALY, AND CHROMOSOMAL INSTABILITY; SEEMANOVA SYNDROME II; Nijmegen breakage syndrome; Microcephaly with normal intelligence immunodeficiency and lymphoreticular malignancies. Identifiers: Orphanet 647, MedGen C0398791, MONDO:0009623, OMIM 251260.

Allele frequency attached by ClinVar (database versions not stated): gnomAD exomes 0.01735; gnomAD 0.06664 and 0.07113; TOPMed 0.07590; 1000 Genomes Project 0.07608; 1000 Genomes Project 30x 0.08073.

Submission:

Illumina Laboratory Services, Illumina
Classification: Benign for Microcephaly, normal intelligence and immunodeficiency. Last evaluated: 2018-01-13. Review status: criteria provided, single submitter. Criteria: ICSL Variant Classification Criteria 13 December 2019. Collection method: clinical testing. Allele origin: germline.
Comment: This variant was observed in the ICSL laboratory as part of a predisposition screen in an ostensibly healthy population. It had not been previously curated by ICSL or reported in the Human Gene Mutation Database (HGMD: prior to June 1st, 2018), and was therefore a candidate for classification through an automated scoring system. Utilizing variant allele frequency, disease prevalence and penetrance estimates, and inheritance mode, an automated score was calculated to assess if this variant is too frequent to cause the disease. Based on the score and internal cut-off values, a variant classified as benign is not then subjected to further curation. The score for this variant resulted in a classification of benign for this disease.